The following is an entry in ClinVar:

NM_006231.4(POLE):c.1354C>T (p.Pro452Ser)

Gene: POLE (DNA polymerase epsilon, catalytic subunit; minus strand). Cytogenetic location: 12q24.33.
Variant type: single nucleotide variant.
Coding change: c.1354C>T on transcript NM_006231.4 (MANE Select); coding-DNA position 1354, C replaced by T.
Protein change: p.Pro452Ser; replaces proline 452 with serine.
Molecular consequence: missense variant.
Genome position (GRCh38, 1-based): chr12:132,673,580, G>A on the plus strand (C>T on the coding strand, the complement: POLE is on the minus strand). VCF-style: chr12-132673580-G-A. GRCh37 (hg19) VCF-style: chr12-133250166-G-A.
Other names: short protein forms P452S.
Identifiers: ClinVar variation 5027064 (VCV005027064.1).

ClinVar aggregate classification (germline): Uncertain significance (1 of 4 stars; one submission).

Conditions:
Hereditary cancer-predisposing syndrome. Also called: Neoplastic Syndromes, Hereditary; Tumor predisposition; Hereditary neoplastic syndrome; Hereditary Cancer Syndrome. Identifiers: Orphanet 140162, MedGen C0027672, MeSH D009386, MONDO:0015356.

Submission:

Ambry Genetics
Classification: Uncertain significance for Hereditary cancer-predisposing syndrome. Last evaluated: 2026-07-06. Review status: criteria provided, single submitter. Criteria: Ambry Variant Classification Scheme 2023. Collection method: clinical testing. Allele origin: germline.
Comment: The p.P452S variant (also known as c.1354C>T), located in coding exon 13 of the POLE gene, results from a C to T substitution at nucleotide position 1354. The proline at codon 452 is replaced by serine, an amino acid with similar properties. This amino acid position is conserved. In addition, the in silico prediction for this alteration is inconclusive. Based on the available evidence, the clinical significance of this variant remains unclear.